The following is an entry in ClinVar:

NM_001482.3(GATM):c.37G>A (p.Gly13Ser)

Genes: GATM (glycine amidinotransferase; minus strand), LOC130056991 (ATAC-STARR-seq lymphoblastoid silent region 6406; plus strand). Cytogenetic location: 15q21.1.
Variant type: single nucleotide variant.
Coding change: c.37G>A on transcript NM_001482.3 (MANE Select); coding-DNA position 37, G replaced by A.
Protein change: p.Gly13Ser; replaces glycine 13 with serine.
Molecular consequence: missense variant. On other transcripts: intron variant (1).
Genome position (GRCh38, 1-based): chr15:45,378,417, C>T on the plus strand (G>A on the coding strand, the complement: GATM is on the minus strand). VCF-style: chr15-45378417-C-T. GRCh37 (hg19) VCF-style: chr15-45670615-C-T.
Other names: c.-318-1598G>A (NM_001321015.2); short protein forms G13S.
Identifiers: ClinVar variation 578428 (VCV000578428.9), dbSNP rs1566843333, ClinGen allele CA392266613.

ClinVar aggregate classification (germline): Uncertain significance (1 of 4 stars; one submission).

Conditions:
Arginine:glycine amidinotransferase deficiency (CCDS3). Also called: L-Arginine:Glycine Amidinotransferase (AGAT) Deficiency; Cerebral creatine deficiency syndrome 3; L-Arginine:Glycine Amidinotransferase Deficiency; Creatine deficiency syndrome due to AGAT deficiency; GATM deficiency; AGAT deficiency. Identifiers: Orphanet 35704, MedGen C2675179, MONDO:0012996, OMIM 612718.

Submission:

Labcorp Genetics (formerly Invitae), Labcorp
Classification: Uncertain significance for Arginine:glycine amidinotransferase deficiency. Last evaluated: 2018-04-03. Review status: criteria provided, single submitter. Criteria: Invitae Variant Classification Sherloc (09022015). Collection method: clinical testing. Allele origin: germline.
Comment: While this variant is not present in population databases, the frequency information is unreliable, as metrics indicate poor data quality at this position in the ExAC database. This variant has not been reported in the literature in individuals with GATM-related disease. Algorithms developed to predict the effect of missense changes on protein structure and function do not agree on the potential impact of this missense change (SIFT: "Deleterious"; PolyPhen-2: "Probably Damaging"; Align-GVGD: "Class C0"). In summary, the available evidence is currently insufficient to determine the role of this variant in disease. Therefore, it has been classified as a Variant of Uncertain Significance. This sequence change replaces glycine with serine at codon 13 of the GATM protein (p.Gly13Ser). The glycine residue is moderately conserved and there is a small physicochemical difference between glycine and serine.